The following is an entry in ClinVar:

ClinVar aggregate classification (germline): Uncertain significance (1 of 4 stars; one submission).

Conditions:
PSTPIP1-related disorder. Also called: PSTPIP1-related condition.

gnomAD v4.1: 1 of 1,588,774 alleles (0.000063%); highest among the groups gnomAD compares: Non-Finnish European, 0.000086%; no homozygotes.

Submission:

PreventionGenetics, part of Exact Sciences
Classification: Uncertain significance for PSTPIP1-related condition. Last evaluated: 2025-05-29. Review status: criteria provided, single submitter. Criteria: ACMG Guidelines, 2015. Collection method: clinical testing. Allele origin: germline.
Comment: The PSTPIP1 c.485G>C variant is predicted to result in the amino acid substitution p.Ser162Thr. To our knowledge, this variant has not been reported in the literature. This variant is reported in 0.0019% of alleles in individuals of European (Non-Finnish) descent in gnomAD. At this time, the clinical significance of this variant is uncertain due to the absence of conclusive functional and genetic evidence.

NM_003978.5(PSTPIP1):c.485G>C (p.Ser162Thr)

Gene: PSTPIP1 (proline-serine-threonine phosphatase interacting protein 1; plus strand). Cytogenetic location: 15q24.3.
Variant type: single nucleotide variant.
Coding change: c.485G>C on transcript NM_003978.5 (MANE Select); coding-DNA position 485, G replaced by C.
Protein change: p.Ser162Thr; replaces serine 162 with threonine.
Molecular consequence: missense variant. On other transcripts: non-coding transcript variant (1).
Genome position (GRCh38, 1-based): chr15:77,028,621, G>C. VCF-style: chr15-77028621-G-C. GRCh37 (hg19) VCF-style: chr15-77320962-G-C.
Other names: c.485G>C, p.Ser162Thr (NM_001321135.2, NM_001411086.1); c.458G>C, p.Ser153Thr (NM_001321136.2); c.680G>C, p.Ser227Thr (NM_001321137.1); short protein forms S162T, S153T, S227T.
Identifiers: ClinVar variation 4982450 (VCV004982450.1).